The following is an entry in ClinVar:

ClinVar aggregate classification (germline): Uncertain significance (1 of 4 stars; one submission).

Conditions:
Epilepsy, familial adult myoclonic, 5 (EPEO5). Also called: CORTICAL MYOCLONIC TREMOR WITH EPILEPSY, FAMILIAL, 5. Identifiers: Orphanet 86814, MedGen C3809374, MONDO:0014167, OMIM 615400.

Allele frequency attached by ClinVar (database versions not stated): gnomAD exomes 0.00001; TOPMed 0.00001; ExAC 0.00002; gnomAD 0.00003.
gnomAD v4.1: 25 of 1,613,610 alleles (0.0015%); highest among the groups gnomAD compares: Middle Eastern, 0.016%; no homozygotes.

Submission:

Labcorp Genetics (formerly Invitae), Labcorp
Classification: Uncertain significance for Epilepsy, familial adult myoclonic, 5. Last evaluated: 2025-01-06. Review status: criteria provided, single submitter. Criteria: Invitae Variant Classification Sherloc (09022015). Collection method: clinical testing. Allele origin: germline.
Comment: This sequence change replaces alanine, which is neutral and non-polar, with threonine, which is neutral and polar, at codon 63 of the CNTN2 protein (p.Ala63Thr). This variant is present in population databases (rs761386498, gnomAD 0.004%). This variant has not been reported in the literature in individuals affected with CNTN2-related conditions. ClinVar contains an entry for this variant (Variation ID: 2164705). Invitae Evidence Modeling of protein sequence and biophysical properties (such as structural, functional, and spatial information, amino acid conservation, physicochemical variation, residue mobility, and thermodynamic stability) indicates that this missense variant is not expected to disrupt CNTN2 protein function with a negative predictive value of 95%. In summary, the available evidence is currently insufficient to determine the role of this variant in disease. Therefore, it has been classified as a Variant of Uncertain Significance.

NM_005076.5(CNTN2):c.187G>A (p.Ala63Thr)

Gene: CNTN2 (contactin 2; plus strand). Cytogenetic location: 1q32.1.
Variant type: single nucleotide variant.
Coding change: c.187G>A on transcript NM_005076.5 (MANE Select); coding-DNA position 187, G replaced by A.
Protein change: p.Ala63Thr; replaces alanine 63 with threonine.
Molecular consequence: missense variant. On other transcripts: non-coding transcript variant (1).
Genome position (GRCh38, 1-based): chr1:205,058,037, G>A. VCF-style: chr1-205058037-G-A. GRCh37 (hg19) VCF-style: chr1-205027165-G-A.
Other names: c.187G>A, p.Ala63Thr (NM_001346083.2); short protein forms A63T.
Identifiers: ClinVar variation 2164705 (VCV002164705.4), dbSNP rs761386498, ClinGen allele CA1350943.